The following is an entry in ClinVar:

ClinVar aggregate classification (germline): Uncertain significance (1 of 4 stars; one submission).

Conditions:
Autosomal dominant nonsyndromic hearing loss 1. Also called: KONIGSMARK SYNDROME; DEAFNESS, AUTOSOMAL DOMINANT 1, WITH OR WITHOUT THROMBOCYTOPENIA. Identifiers: Orphanet 90635, MedGen C1852282, MONDO:0007424, OMIM 124900.
Progressive microcephaly-seizures-cortical blindness-developmental delay syndrome. Also called: Seizures, cortical blindness, and microcephaly syndrome. Identifiers: Orphanet 477814, MedGen C5567650, MONDO:0014714, OMIM 616632.

Allele frequency attached by ClinVar (database versions not stated): gnomAD exomes below 0.00001; TOPMed below 0.00001; gnomAD 0.00001.
gnomAD v4.1: 5 of 1,596,224 alleles (0.00031%); highest among the groups gnomAD compares: African/African-American, 0.0013%; no homozygotes.

Submission:

Labcorp Genetics (formerly Invitae), Labcorp
Classification: Uncertain significance for Progressive microcephaly-seizures-cortical blindness-developmental delay syndrome; Autosomal dominant nonsyndromic hearing loss 1. Last evaluated: 2024-10-30. Review status: criteria provided, single submitter. Criteria: Invitae Variant Classification Sherloc (09022015). Collection method: clinical testing. Allele origin: germline.
Comment: This sequence change replaces tyrosine, which is neutral and polar, with cysteine, which is neutral and slightly polar, at codon 431 of the DIAPH1 protein (p.Tyr431Cys). This variant is not present in population databases (gnomAD no frequency). This variant has not been reported in the literature in individuals affected with DIAPH1-related conditions. ClinVar contains an entry for this variant (Variation ID: 2117954). Experimental studies and prediction algorithms are not available or were not evaluated, and the functional significance of this variant is currently unknown. In summary, the available evidence is currently insufficient to determine the role of this variant in disease. Therefore, it has been classified as a Variant of Uncertain Significance.

NM_005219.5(DIAPH1):c.1292A>G (p.Tyr431Cys)

Gene: DIAPH1 (diaphanous related formin 1; minus strand). Cytogenetic location: 5q31.3.
Variant type: single nucleotide variant.
Coding change: c.1292A>G on transcript NM_005219.5 (MANE Select); coding-DNA position 1292, A replaced by G.
Protein change: p.Tyr431Cys; replaces tyrosine 431 with cysteine.
Molecular consequence: missense variant.
Genome position (GRCh38, 1-based): chr5:141,576,860, T>C on the plus strand (A>G on the coding strand, the complement: DIAPH1 is on the minus strand). VCF-style: chr5-141576860-T-C. GRCh37 (hg19) VCF-style: chr5-140956427-T-C.
Other names: c.1265A>G, p.Tyr422Cys (NM_001079812.3); c.1292A>G, p.Tyr431Cys (NM_001314007.2); short protein forms Y422C, Y431C.
Identifiers: ClinVar variation 2117954 (VCV002117954.4), dbSNP rs1340149420, ClinGen allele CA361528272.